The following is an entry in ClinVar:

ClinVar aggregate classification (germline): Pathogenic. Review status: reviewed by expert panel (3 of 4 stars). 2 submissions from 2 submitters: Pathogenic (1). 1 of the submissions does not count toward it. Last evaluated 2016-10-18.

Conditions:
Breast-ovarian cancer, familial, susceptibility to, 2 (BROVCA2). Also called: BRCA2 Hereditary Breast and Ovarian Cancer. Identifiers: Orphanet 145, MedGen C2675520, MONDO:0012933, OMIM 612555. Disease mechanism: loss of function.

Submissions (2):

Evidence-based Network for the Interpretation of Germline Mutant Alleles (ENIGMA)
Classification: Pathogenic for Breast-ovarian cancer, familial, susceptibility to, 2. Last evaluated: 2016-10-18. Review status: reviewed by expert panel. Criteria: ENIGMA BRCA1/2 Classification Criteria (2015). Collection method: curation. Allele origin: germline.
Comment: Variant allele predicted to encode a truncated non-functional protein.

Consortium of Investigators of Modifiers of BRCA1/2 (CIMBA), c/o University of Cambridge
Classification: Pathogenic for Breast-ovarian cancer, familial, susceptibility to, 2. Last evaluated: 2015-10-02. Review status: criteria provided, single submitter. Criteria: CIMBA Mutation Classification guidelines May 2016. Collection method: clinical testing. Allele origin: germline. Not counted in ClinVar's aggregate classification.

NM_000059.4(BRCA2):c.905_906insA (p.Ser303fs)

Gene: BRCA2 (BRCA2 DNA repair associated; plus strand). Cytogenetic location: 13q13.1.
Variant type: Insertion.
Coding change: c.905_906insA on transcript NM_000059.4 (MANE Select); coding-DNA positions 905 to 906, A inserted.
Protein change: p.Ser303fs; shifts the reading frame from serine 303.
Molecular consequence: frameshift variant.
Genome position: GRCh38 VCF-style: chr13-32332383-C-CA. GRCh37 (hg19) VCF-style: chr13-32906520-C-CA.
Other names: 1133insA; short protein forms S303fs.
Identifiers: ClinVar variation 267133 (VCV000267133.7), dbSNP rs886040815, ClinGen allele CA10589058.